The following is an entry in ClinVar:

ClinVar aggregate classification (germline): Uncertain significance (1 of 4 stars; one submission).

Conditions:
Cardiovascular phenotype. Identifiers: MedGen CN230736.

Submission:

Ambry Genetics
Classification: Uncertain significance for Cardiovascular phenotype. Last evaluated: 2023-10-15. Review status: criteria provided, single submitter. Criteria: Ambry Variant Classification Scheme 2023. Collection method: clinical testing. Allele origin: germline.
Comment: The p.M148V variant (also known as c.442A>G), located in coding exon 2 of the KCNJ8 gene, results from an A to G substitution at nucleotide position 442. The methionine at codon 148 is replaced by valine, an amino acid with highly similar properties. This amino acid position is conserved. In addition, the in silico prediction for this alteration is inconclusive. Since supporting evidence is limited at this time, the clinical significance of this alteration remains unclear.

NM_004982.4(KCNJ8):c.442A>G (p.Met148Val)

Genes: KCNJ8 (potassium inwardly rectifying channel subfamily J member 8; minus strand), KCNJ8-AS1 (KCNJ8 antisense RNA 1; plus strand). Cytogenetic location: 12p12.1.
Variant type: single nucleotide variant.
Coding change: c.442A>G on transcript NM_004982.4 (MANE Select); coding-DNA position 442, A replaced by G.
Protein change: p.Met148Val; replaces methionine 148 with valine.
Molecular consequence: missense variant.
Genome position (GRCh38, 1-based): chr12:21,766,556, T>C on the plus strand (A>G on the coding strand, the complement: KCNJ8 is on the minus strand). VCF-style: chr12-21766556-T-C. GRCh37 (hg19) VCF-style: chr12-21919490-T-C.
Other names: short protein forms M148V.
Identifiers: ClinVar variation 3224555 (VCV003224555.1), dbSNP rs2540721158, ClinGen allele CA384127706.
Genomic context (GRCh38, chr12:21,766,556, plus strand): 5'-TCAAACCCACAATATTCTGGAGAATCAAAACCGTGATGGCCAAAGGGCATTCCTCTGTCA[T>C]CATCCTCCCTCCAAACCCAATGGTAACTTGAACTTCAATGGAGAAGAGAAAAGCAGAAGT-3'
Protein context (NP_004973.1, residues 138-158): QVTIGFGGRM[Met148Val]TEECPLAITV